The following is an entry in ClinVar:

NM_020821.3(VPS13C):c.5726A>T (p.Asp1909Val)

Gene: VPS13C (vacuolar protein sorting 13 homolog C; minus strand). Cytogenetic location: 15q22.2.
Variant type: single nucleotide variant.
Coding change: c.5726A>T on transcript NM_020821.3 (MANE Select); coding-DNA position 5726, A replaced by T.
Protein change: p.Asp1909Val; replaces aspartic acid 1909 with valine.
Molecular consequence: missense variant.
Genome position (GRCh38, 1-based): chr15:61,936,626, T>A on the plus strand (A>T on the coding strand, the complement: VPS13C is on the minus strand). VCF-style: chr15-61936626-T-A. GRCh37 (hg19) VCF-style: chr15-62228825-T-A.
Other names: c.5726A>T, p.Asp1909Val (NM_001018088.3); c.5597A>T, p.Asp1866Val (NM_017684.5, NM_018080.4); short protein forms D1866V, D1909V.
Identifiers: ClinVar variation 1379721 (VCV001379721.6), dbSNP rs141823949, ClinGen allele CA7595754.
Genomic context (GRCh38, chr15:61,936,626, plus strand): 5'-TCTCCATAAAGTAAATATCATCAATTTATACCTTTGAGATGGTCAGGTACACTTGAAACA[T>A]CAACTTTTCTCACTCTTACAGTCTCCTGCACAGACTGTGTAGGGCTTGGTTGTGAGGAAG-3'
Protein context (NP_065872.1, residues 1899-1919): VQETVRVRKV[Asp1909Val]VSSVPDHLKE

ClinVar aggregate classification (germline): Uncertain significance (1 of 4 stars; one submission).

Allele frequency attached by ClinVar (database versions not stated): TOPMed 0.00003; gnomAD exomes 0.00004 and 0.00005; gnomAD 0.00005 and 0.00006; ExAC 0.00006; ESP Exome Variant Server 0.00015.
gnomAD v4.1: 59 of 1,585,620 alleles (0.0037%); highest among the groups gnomAD compares: Non-Finnish European, 0.005%; no homozygotes.

Submission:

Labcorp Genetics (formerly Invitae), Labcorp
Classification: Uncertain significance. Last evaluated: 2026-01-25. Review status: criteria provided, single submitter. Criteria: Invitae Variant Classification Sherloc (09022015). Collection method: clinical testing. Allele origin: germline.
Comment: This sequence change replaces aspartic acid, which is acidic and polar, with valine, which is neutral and non-polar, at codon 1909 of the VPS13C protein (p.Asp1909Val). This variant is present in population databases (rs141823949, gnomAD 0.01%). This missense change has been observed in individual(s) with Parkinson disease (PMID: 38397244). ClinVar contains an entry for this variant (Variation ID: 1379721). Invitae Evidence Modeling of protein sequence and biophysical properties (such as structural, functional, and spatial information, amino acid conservation, physicochemical variation, residue mobility, and thermodynamic stability) indicates that this missense variant is not expected to disrupt VPS13C protein function with a negative predictive value of 80%. In summary, the available evidence is currently insufficient to determine the role of this variant in disease. Therefore, it has been classified as a Variant of Uncertain Significance.

Literature cited by the submitters: PubMed 38397244.